The following is an entry in ClinVar:

NM_000059.4(BRCA2):c.2886_2907del (p.His962fs)

Gene: BRCA2 (BRCA2 DNA repair associated; plus strand). Cytogenetic location: 13q13.1.
Variant type: Deletion.
Coding change: c.2886_2907del on transcript NM_000059.4 (MANE Select); coding-DNA positions 2886 to 2907, 22 bases deleted (TATAAAAATGACTCTAGGTCAA).
Protein change: p.His962fs; shifts the reading frame from histidine 962.
Molecular consequence: frameshift variant. On other transcripts: non-coding transcript variant (1), intron variant (2).
Genome position (GRCh38, 1-based): chr13:32,337,241-32,337,262, TATAAAAATGACTCTAGGTCAA deleted; deleting any 22 consecutive bases within chr13:32,337,240-32,337,262 gives the same sequence; the c. name uses the placement nearest the transcript's 3' end. VCF-style (leftmost placement, unchanged base first): chr13-32337239-CATATAAAAATGACTCTAGGTCA-C. GRCh37 (hg19) VCF-style: chr13-32911376-CATATAAAAATGACTCTAGGTCA-C.
Other names: c.2886_2907del, p.His962fs (NM_001406719.1, NM_001406720.1); c.1909+3854_1909+3875del (NM_001406721.1); c.424+6211_424+6232del (NM_001406722.1); short protein forms H962fs.
Identifiers: ClinVar variation 3254406 (VCV003254406.2), dbSNP rs2548524821.

ClinVar aggregate classification (germline): Pathogenic. Review status: criteria provided, multiple submitters, no conflicts (2 of 4 stars). 2 submissions from 2 submitters: Pathogenic (2). Last evaluated 2025-01-06.

Conditions:
Hereditary cancer-predisposing syndrome. Also called: Hereditary neoplastic syndrome; Neoplastic Syndromes, Hereditary; Hereditary Cancer Syndrome; Tumor predisposition. Identifiers: Orphanet 140162, MedGen C0027672, MeSH D009386, MONDO:0015356.
Breast-ovarian cancer, familial, susceptibility to, 2 (BROVCA2). Also called: BRCA2 Hereditary Breast and Ovarian Cancer. Identifiers: Orphanet 145, MedGen C2675520, MONDO:0012933, OMIM 612555. Disease mechanism: loss of function.

Submissions (2):

Ambry Genetics
Classification: Pathogenic for Hereditary cancer-predisposing syndrome. Last evaluated: 2025-01-06. Review status: criteria provided, single submitter. Criteria: Ambry Variant Classification Scheme 2023. Collection method: clinical testing. Allele origin: germline.
Comment: The c.2886_2907del22 pathogenic mutation, located in coding exon 10 of the BRCA2 gene, results from a deletion of 22 nucleotides at nucleotide positions 2886 to 2907, causing a translational frameshift with a predicted alternate stop codon (p.H962Qfs*3). This alteration is expected to result in loss of function by premature protein truncation or nonsense-mediated mRNA decay. As such, this alteration is interpreted as a disease-causing mutation.

Myriad Genetics, Inc.
Classification: Pathogenic for Breast-ovarian cancer, familial, susceptibility to, 2. Last evaluated: 2024-06-18. Review status: criteria provided, single submitter. Criteria: Myriad Autosomal Dominant, Autosomal Recessive and X-Linked Classification Criteria (2023). Collection method: clinical testing. Allele origin: unknown.
Comment: This variant is considered pathogenic. This variant creates a frameshift predicted to result in premature protein truncation.